The following is an entry in ClinVar:

ClinVar aggregate classification (germline): Likely benign. Review status: criteria provided, single submitter (1 of 4 stars). 2 submissions from 2 submitters: Likely benign (1). 1 of the submissions does not count toward it. Last evaluated 2023-10-22.

Conditions:
NTRK2-related disorder. Also called: NTRK2-related condition.

Allele frequency attached by ClinVar (database versions not stated): gnomAD 0.00002; gnomAD exomes 0.00003 and 0.00004; TOPMed 0.00003; ExAC 0.00004.
gnomAD v4.1: 62 of 1,614,050 alleles (0.0038%); highest among the groups gnomAD compares: Non-Finnish European, 0.005%; no homozygotes.

Submissions (2):

Labcorp Genetics (formerly Invitae), Labcorp
Classification: Likely benign. Last evaluated: 2023-10-22. Review status: criteria provided, single submitter. Criteria: Invitae Variant Classification Sherloc (09022015). Collection method: clinical testing. Allele origin: germline.

PreventionGenetics, part of Exact Sciences
Classification: Likely benign for NTRK2-related condition. Last evaluated: 2021-12-30. Review status: no assertion criteria provided. Collection method: clinical testing. Allele origin: germline. Not counted in ClinVar's aggregate classification.
Comment: This variant is classified as likely benign based on ACMG/AMP sequence variant interpretation guidelines (Richards et al. 2015 PMID: 25741868, with internal and published modifications).

NM_006180.6(NTRK2):c.2277G>A (p.Leu759=)

Gene: NTRK2 (neurotrophic receptor tyrosine kinase 2; plus strand). Cytogenetic location: 9q21.33.
Variant type: single nucleotide variant.
Coding change: c.2277G>A on transcript NM_006180.6 (MANE Select); coding-DNA position 2277, G replaced by A.
Protein change: p.Leu759=; no amino-acid change (leucine 759 retained).
Molecular consequence: synonymous variant.
Genome position (GRCh38, 1-based): chr9:85,020,310, G>A. VCF-style: chr9-85020310-G-A. GRCh37 (hg19) VCF-style: chr9-87635225-G-A.
Other names: c.2229G>A, p.Leu743= (NM_001018064.3, NM_001369532.1, NM_001369533.1); c.2193G>A, p.Leu731= (NM_001369534.1); c.1761G>A, p.Leu587= (NM_001369535.1); c.1809G>A, p.Leu603= (NM_001369536.1); c.2277G>A (NM_006180.4).
Identifiers: ClinVar variation 1629804 (VCV001629804.11), dbSNP rs201008868, ClinGen allele CA5105962.